The following is an entry in ClinVar:

ClinVar aggregate classification (germline): Pathogenic (1 of 4 stars; one submission).

Conditions:
Cardiovascular phenotype. Identifiers: MedGen CN230736.
Hereditary cancer-predisposing syndrome. Also called: Hereditary neoplastic syndrome; Neoplastic Syndromes, Hereditary; Tumor predisposition; Hereditary Cancer Syndrome. Identifiers: Orphanet 140162, MedGen C0027672, MeSH D009386, MONDO:0015356.

Submission:

Ambry Genetics
Classification: Pathogenic for Cardiovascular phenotype; Hereditary cancer-predisposing syndrome. Last evaluated: 2025-07-15. Review status: criteria provided, single submitter. Criteria: Ambry Variant Classification Scheme 2023. Collection method: clinical testing. Allele origin: germline.
Comment: The c.3505_3509dupTACCA pathogenic mutation, located in coding exon 27 of the NF1 gene, results from a duplication of TACCA at nucleotide position 3505, causing a translational frameshift with a predicted alternate stop codon (p.K1171Tfs*15). This variant is considered to be rare based on population cohorts in the Genome Aggregation Database (gnomAD). This alteration is expected to result in loss of function by premature protein truncation or nonsense-mediated mRNA decay. As such, this alteration is interpreted as a disease-causing mutation.

NM_001042492.3(NF1):c.3505_3509dup (p.Lys1171fs)

Gene: NF1 (neurofibromin 1; plus strand). Cytogenetic location: 17q11.2.
Variant type: Duplication.
Coding change: c.3505_3509dup on transcript NM_001042492.3 (MANE Select); coding-DNA positions 3505 to 3509, 5 bases duplicated (TACCA; older notation c.3505_3509dupTACCA).
Protein change: p.Lys1171fs; shifts the reading frame from lysine 1171.
Molecular consequence: frameshift variant.
Genome position (GRCh38, 1-based): chr17:31,233,010-31,233,014, TACCA duplicated. VCF-style (leftmost placement, unchanged base first): chr17-31233009-T-TTACCA. GRCh37 (hg19) VCF-style: chr17-29560027-T-TTACCA.
Other names: c.3505_3509dup, p.Lys1171fs (NM_000267.4); c.3505_3509dupTACCA (NM_000267.3); short protein forms K1171fs.
Identifiers: ClinVar variation 4119060 (VCV004119060.1).